The following is an entry in ClinVar:

NM_001134389.2(ZDHHC4):c.742-3T>C

Gene: ZDHHC4 (zDHHC palmitoyltransferase 4; plus strand). Cytogenetic location: 7p22.1.
Variant type: single nucleotide variant.
Coding change: c.742-3T>C on transcript NM_001134389.2 (MANE Select); 3 bases into the intron before coding-DNA position 742, T replaced by C.
Molecular consequence: intron variant. On other transcripts: 3 prime UTR variant (1).
Genome position (GRCh38, 1-based): chr7:6,588,614, T>C. VCF-style: chr7-6588614-T-C. GRCh37 (hg19) VCF-style: chr7-6628245-T-C.
Other names: c.*111T>C (NM_001371299.1); c.742-3T>C (NM_001134387.2, NM_001134388.2, NM_018106.4 and 5 more transcripts); c.787-3T>C (NM_001371292.1); c.682-3T>C (NM_001371298.1).
Identifiers: ClinVar variation 2657306 (VCV002657306.24), dbSNP rs534946585, ClinGen allele CA4155979.

ClinVar aggregate classification (germline): Likely benign (1 of 4 stars; one submission).

Allele frequency attached by ClinVar (database versions not stated): gnomAD exomes 0.00019; ExAC 0.00049; 1000 Genomes Project 0.00180; 1000 Genomes Project 30x 0.00187; gnomAD 0.00206; TOPMed 0.00242.
gnomAD v4.1: 607 of 1,613,920 alleles (0.038%); highest among the groups gnomAD compares: African/African-American, 0.74%; 3 homozygotes.

Submission:

CeGaT Center for Human Genetics Tuebingen
Classification: Likely benign. Last evaluated: 2023-04-01. Review status: criteria provided, single submitter. Criteria: CeGaT Center For Human Genetics Tuebingen Variant Classification Criteria Version 2. Collection method: clinical testing. Allele origin: germline. Affected: yes. Observed: 1 variant allele.
Comment: ZDHHC4: BP4, BS2